The following is an entry in ClinVar:

ClinVar aggregate classification (germline): Uncertain significance (1 of 4 stars; one submission).

Conditions:
Long QT syndrome (LQTS). Identifiers: MedGen C0023976, MeSH D008133, MONDO:0002442. Disease mechanism: loss of function. Inheritance: Various modes of inheritance.

Submission:

Labcorp Genetics (formerly Invitae), Labcorp
Classification: Uncertain significance for Long QT syndrome. Last evaluated: 2024-08-19. Review status: criteria provided, single submitter. Criteria: Invitae Variant Classification Sherloc (09022015). Collection method: clinical testing. Allele origin: germline.
Comment: This sequence change replaces aspartic acid, which is acidic and polar, with tyrosine, which is neutral and polar, at codon 2172 of the AKAP9 protein (p.Asp2172Tyr). This variant is not present in population databases (gnomAD no frequency). This variant has not been reported in the literature in individuals affected with AKAP9-related conditions. An algorithm developed to predict the effect of missense changes on protein structure and function (PolyPhen-2) suggests that this variant is likely to be disruptive. In summary, the available evidence is currently insufficient to determine the role of this variant in disease. Therefore, it has been classified as a Variant of Uncertain Significance.

NM_005751.5(AKAP9):c.6514G>T (p.Asp2172Tyr)

Gene: AKAP9 (A-kinase anchoring protein 9; plus strand). Cytogenetic location: 7q21.2.
Variant type: single nucleotide variant.
Coding change: c.6514G>T on transcript NM_005751.5 (MANE Select); coding-DNA position 6514, G replaced by T.
Protein change: p.Asp2172Tyr; replaces aspartic acid 2172 with tyrosine.
Molecular consequence: missense variant.
Genome position (GRCh38, 1-based): chr7:92,070,911, G>T. VCF-style: chr7-92070911-G-T. GRCh37 (hg19) VCF-style: chr7-91700225-G-T.
Other names: c.1159G>T, p.Asp387Tyr (NM_001379277.1); c.6490G>T, p.Asp2164Tyr (NM_147185.3); short protein forms D387Y, D2164Y, D2172Y.
Identifiers: ClinVar variation 2914001 (VCV002914001.3), dbSNP rs2535221369, ClinGen allele CA368134381.